The following is an entry in ClinVar:

ClinVar aggregate classification (germline): Uncertain significance. Review status: criteria provided, single submitter (1 of 4 stars). 2 submissions from 2 submitters: Uncertain significance (1). 1 of the submissions does not count toward it. Last evaluated 2024-03-21.

Conditions:
REPS1-related disorder. Also called: REPS1-related condition.

Allele frequency attached by ClinVar (database versions not stated): ExAC 0.00006; gnomAD 0.00009; TOPMed 0.00009; ESP Exome Variant Server 0.00015; 1000 Genomes Project 30x 0.00016; 1000 Genomes Project 0.00020.
gnomAD v4.1: 87 of 1,607,694 alleles (0.0054%); highest among the groups gnomAD compares: African/African-American, 0.024%; no homozygotes.

Submissions (2):

Labcorp Genetics (formerly Invitae), Labcorp
Classification: Uncertain significance. Last evaluated: 2024-03-21. Review status: criteria provided, single submitter. Criteria: Invitae Variant Classification Sherloc (09022015). Collection method: clinical testing. Allele origin: germline.
Comment: This sequence change affects codon 475 of the REPS1 mRNA. It is a 'silent' change, meaning that it does not change the encoded amino acid sequence of the REPS1 protein. It affects a nucleotide within the consensus splice site. This variant is present in population databases (rs141996588, gnomAD 0.02%). This variant has not been reported in the literature in individuals affected with REPS1-related conditions. Algorithms developed to predict the effect of sequence changes on RNA splicing suggest that this variant is not likely to affect RNA splicing. In summary, the available evidence is currently insufficient to determine the role of this variant in disease. Therefore, it has been classified as a Variant of Uncertain Significance.

PreventionGenetics, part of Exact Sciences
Classification: Likely benign for REPS1-related condition. Last evaluated: 2019-08-08. Review status: no assertion criteria provided. Collection method: clinical testing. Allele origin: germline. Not counted in ClinVar's aggregate classification.
Comment: This variant is classified as likely benign based on ACMG/AMP sequence variant interpretation guidelines (Richards et al. 2015 PMID: 25741868, with internal and published modifications).

NM_001286611.2(REPS1):c.1425C>T (p.Ser475=)

Gene: REPS1 (RALBP1 associated Eps domain containing 1; minus strand). Cytogenetic location: 6q24.1.
Variant type: single nucleotide variant.
Coding change: c.1425C>T on transcript NM_001286611.2 (MANE Select); coding-DNA position 1425, C replaced by T.
Protein change: p.Ser475=; no amino-acid change (serine 475 retained).
Molecular consequence: synonymous variant.
Genome position (GRCh38, 1-based): chr6:138,921,038, G>A on the plus strand (C>T on the coding strand, the complement: REPS1 is on the minus strand). VCF-style: chr6-138921038-G-A. GRCh37 (hg19) VCF-style: chr6-139242175-G-A.
Other names: c.1344C>T, p.Ser448= (NM_001128617.3, NM_001286612.2); c.1425C>T, p.Ser475= (NM_031922.5).
Identifiers: ClinVar variation 3035693 (VCV003035693.4), dbSNP rs141996588, ClinGen allele CA4024182.